The following is an entry in ClinVar:

ClinVar aggregate classification (germline): Uncertain significance. Review status: criteria provided, multiple submitters, no conflicts (2 of 4 stars). 2 submissions from 2 submitters: Uncertain significance (2). Last evaluated 2026-04-17.

Conditions:
Inborn genetic diseases. Identifiers: MedGen C0950123, MeSH D030342.
Congenital muscular hypertrophy-cerebral syndrome (CDLS2). Also called: SMC1A-Related Cornelia de Lange Syndrome; Cornelia de Lange syndrome 2. Identifiers: Orphanet 199, MedGen C1802395, MONDO:0010370, OMIM 300590.

Submissions (2):

Ambry Genetics
Classification: Uncertain significance for Inborn genetic diseases. Last evaluated: 2026-04-17. Review status: criteria provided, single submitter. Criteria: Ambry Variant Classification Scheme 2023. Collection method: clinical testing. Allele origin: germline.
Comment: The c.562C>T (p.R188C) alteration is located in exon 4 (coding exon 4) of the SMC1A gene. This alteration results from a C to T substitution at nucleotide position 562, causing the arginine (R) at amino acid position 188 to be replaced by a cysteine (C). This variant was not reported in population-based cohorts in the Genome Aggregation Database (gnomAD). This variant was reported as heterozygous in individual(s) with features consistent with SMC1A-related developmental and epileptic encephalopathy; in at least one individual, it was determined to be de novo (Chengyan, 2024; Li, 2024). This missense alteration is located in a region that has a low rate of benign missense variation (Lek, 2016; Firth, 2009). The in silico prediction for this alteration is inconclusive. Based on insufficient or conflicting evidence, the clinical significance of this alteration remains unclear.

Labcorp Genetics (formerly Invitae), Labcorp
Classification: Uncertain significance for Congenital muscular hypertrophy-cerebral syndrome. Last evaluated: 2022-07-05. Review status: criteria provided, single submitter. Criteria: Invitae Variant Classification Sherloc (09022015). Collection method: clinical testing. Allele origin: germline.
Comment: Advanced modeling of protein sequence and biophysical properties (such as structural, functional, and spatial information, amino acid conservation, physicochemical variation, residue mobility, and thermodynamic stability) performed at Invitae indicates that this missense variant is expected to disrupt SMC1A protein function. ClinVar contains an entry for this variant (Variation ID: 1389316). This variant has not been reported in the literature in individuals affected with SMC1A-related conditions. This variant is not present in population databases (gnomAD no frequency). This sequence change replaces arginine, which is basic and polar, with cysteine, which is neutral and slightly polar, at codon 188 of the SMC1A protein (p.Arg188Cys). In summary, the available evidence is currently insufficient to determine the role of this variant in disease. Therefore, it has been classified as a Variant of Uncertain Significance.

Literature cited by the submitters: PubMed 38468460 (cited by Ambry Genetics); PubMed 39528574 (cited by Ambry Genetics).

NM_006306.4(SMC1A):c.562C>T (p.Arg188Cys)

Gene: SMC1A (structural maintenance of chromosomes 1A; minus strand). Cytogenetic location: Xp11.22.
Variant type: single nucleotide variant.
Coding change: c.562C>T on transcript NM_006306.4 (MANE Select); coding-DNA position 562, C replaced by T.
Protein change: p.Arg188Cys; replaces arginine 188 with cysteine.
Molecular consequence: missense variant.
Genome position (GRCh38, 1-based): chrX:53,413,285, G>A on the plus strand (C>T on the coding strand, the complement: SMC1A is on the minus strand). VCF-style: chrX-53413285-G-A. GRCh37 (hg19) VCF-style: chrX-53440235-G-A.
Other names: c.496C>T, p.Arg166Cys (NM_001281463.1); c.562C>T (NM_006306.2); short protein forms R188C, R166C.
Identifiers: ClinVar variation 1389316 (VCV001389316.8), dbSNP rs2146605558, ClinGen allele CA413259240.